The following is an entry in ClinVar:

NM_022765.4(MICAL1):c.562C>T (p.Pro188Ser)

Gene: MICAL1 (microtubule associated monooxygenase, calponin and LIM domain containing 1; minus strand). Cytogenetic location: 6q21.
Variant type: single nucleotide variant.
Coding change: c.562C>T on transcript NM_022765.4 (MANE Select); coding-DNA position 562, C replaced by T.
Protein change: p.Pro188Ser; replaces proline 188 with serine.
Molecular consequence: missense variant.
Genome position (GRCh38, 1-based): chr6:109,453,272, G>A on the plus strand (C>T on the coding strand, the complement: MICAL1 is on the minus strand). VCF-style: chr6-109453272-G-A. GRCh37 (hg19) VCF-style: chr6-109774475-G-A.
Other names: c.562C>T, p.Pro188Ser (NM_001159291.2); c.619C>T, p.Pro207Ser (NM_001286613.2); short protein forms P207S, P188S.
Identifiers: ClinVar variation 1510951 (VCV001510951.8), dbSNP rs755636712, ClinGen allele CA3953739.

ClinVar aggregate classification (germline): Uncertain significance (1 of 4 stars; one submission).

Allele frequency attached by ClinVar (database versions not stated): gnomAD exomes below 0.00001; ExAC 0.00001; gnomAD 0.00003 and 0.00004; TOPMed 0.00004.
gnomAD v4.1: 11 of 1,613,444 alleles (0.00068%); highest among the groups gnomAD compares: African/African-American, 0.012%; no homozygotes.

Submission:

Labcorp Genetics (formerly Invitae), Labcorp
Classification: Uncertain significance. Last evaluated: 2023-01-31. Review status: criteria provided, single submitter. Criteria: Invitae Variant Classification Sherloc (09022015). Collection method: clinical testing. Allele origin: germline.
Comment: This sequence change replaces proline, which is neutral and non-polar, with serine, which is neutral and polar, at codon 207 of the MICAL1 protein (p.Pro207Ser). This variant is present in population databases (rs755636712, gnomAD 0.008%). This variant has not been reported in the literature in individuals affected with MICAL1-related conditions. ClinVar contains an entry for this variant (Variation ID: 1510951). Algorithms developed to predict the effect of missense changes on protein structure and function output the following: SIFT: "Tolerated"; PolyPhen-2: "Benign"; Align-GVGD: "Class C0". The serine amino acid residue is found in multiple mammalian species, which suggests that this missense change does not adversely affect protein function. In summary, the available evidence is currently insufficient to determine the role of this variant in disease. Therefore, it has been classified as a Variant of Uncertain Significance.